The following is an entry in ClinVar:

ClinVar aggregate classification (germline): Uncertain significance (1 of 4 stars; one submission).

Conditions:
Cardiovascular phenotype. Identifiers: MedGen CN230736.

gnomAD v4.1: 3 of 1,550,228 alleles (0.00019%); highest among the groups gnomAD compares: South Asian, 0.0012%; no homozygotes.

Submission:

Ambry Genetics
Classification: Uncertain significance for Cardiovascular phenotype. Last evaluated: 2024-09-17. Review status: criteria provided, single submitter. Criteria: Ambry Variant Classification Scheme 2023. Collection method: clinical testing. Allele origin: germline.
Comment: The p.D1790V variant (also known as c.5369A>T), located in coding exon 2 of the ZNF469 gene, results from an A to T substitution at nucleotide position 5369. The aspartic acid at codon 1790 is replaced by valine, an amino acid with highly dissimilar properties. This amino acid position is conserved. In addition, this alteration is predicted to be tolerated by in silico analysis. Based on the available evidence, the clinical significance of this variant remains unclear.

NM_001367624.2(ZNF469):c.5453A>T (p.Asp1818Val)

Gene: ZNF469 (zinc finger protein 469; plus strand). Cytogenetic location: 16q24.2.
Variant type: single nucleotide variant.
Coding change: c.5453A>T on transcript NM_001367624.2 (MANE Select); coding-DNA position 5453, A replaced by T.
Protein change: p.Asp1818Val; replaces aspartic acid 1818 with valine.
Molecular consequence: missense variant.
Genome position (GRCh38, 1-based): chr16:88,432,923, A>T. VCF-style: chr16-88432923-A-T. GRCh37 (hg19) VCF-style: chr16-88499331-A-T.
Other names: NM_001127464.1:c.5369A>T; short protein forms D1818V.
Identifiers: ClinVar variation 3476216 (VCV003476216.1).
Genomic context (GRCh38, chr16:88,432,923, plus strand): 5'-GCCCTGCTGTCCATCTGGCCCCTGACTTGGCATTTCAGGGTGACGGGGCTCCACCTCTGG[A>T]TGCCACCTGGCCTTTTGGTGCCAGTCCCAGCCATGCTGCCCAGGGACATTCTGCAGGCAG-3'
Protein context (NP_001354553.1, residues 1808-1828): AFQGDGAPPL[Asp1818Val]ATWPFGASPS